The following is an entry in ClinVar:

NM_001378183.1(PIEZO2):c.2383A>G (p.Thr795Ala)

Gene: PIEZO2 (piezo type mechanosensitive ion channel component 2; minus strand). Cytogenetic location: 18p11.22.
Variant type: single nucleotide variant.
Coding change: c.2383A>G on transcript NM_001378183.1 (MANE Select); coding-DNA position 2383, A replaced by G.
Protein change: p.Thr795Ala; replaces threonine 795 with alanine.
Molecular consequence: missense variant.
Genome position (GRCh38, 1-based): chr18:10,784,893, T>C on the plus strand (A>G on the coding strand, the complement: PIEZO2 is on the minus strand). VCF-style: chr18-10784893-T-C. GRCh37 (hg19) VCF-style: chr18-10784891-T-C.
Other names: c.2383A>G, p.Thr795Ala (NM_022068.4); short protein forms T795A.
Identifiers: ClinVar variation 546276 (VCV000546276.4), dbSNP rs1555646155, ClinGen allele CA401920413.
Genomic context (GRCh38, chr18:10,784,893, plus strand): 5'-GTTCAAGGAACCGGTCATGGAAGTAGTGCAGGTGTAAAATGCACACCAGCAGAAAGGAGG[T>C]TGGGATGAATATGCGAGTGAATAGTTCAGCCACAGTAAACTGCTTTAAGCCAAGATCCTC-3'
Protein context (NP_001365112.1, residues 785-805): AELFTRIFIP[Thr795Ala]SFLLVCILHL

ClinVar aggregate classification (germline): Uncertain significance (1 of 4 stars; one submission).

Allele frequency attached by ClinVar (database versions not stated): gnomAD exomes below 0.00001.
gnomAD v4.1: 1 of 1,537,446 alleles (0.000065%); highest among the groups gnomAD compares: Non-Finnish European, 0.000087%; no homozygotes.

Submission:

GeneDx
Classification: Uncertain significance. Last evaluated: 2021-02-02. Review status: criteria provided, single submitter. Criteria: GeneDx Variant Classification Process June 2021. Collection method: clinical testing. Allele origin: germline. Affected: yes.
Comment: Not observed in large population cohorts (Lek et al., 2016); In silico analysis supports that this missense variant does not alter protein structure/function; Has not been previously published as pathogenic or benign to our knowledge